The following is an entry in ClinVar:

NC_000023.11:g.38276729A>G

Gene: RPGR (retinitis pigmentosa GTPase regulator; minus strand). Cytogenetic location: Xp11.4.
Variant type: single nucleotide variant.
Molecular consequence: missense variant (on NM_000328.3). On other transcripts: non-coding transcript variant (6).
Genome position: GRCh38 VCF-style: chrX-38276729-A-G. GRCh37 (hg19) VCF-style: chrX-38135982-A-G.
Other names: c.1949T>C, p.Val650Ala (NM_000328.3); c.1946T>C, p.Val649Ala (NM_001367245.1); c.1763T>C, p.Val588Ala (NM_001367246.1); c.1616T>C, p.Val539Ala (NM_001367247.1); c.1646T>C, p.Val549Ala (NM_001367248.1); c.1613T>C, p.Val538Ala (NM_001367249.1, NM_001367250.1); c.1430T>C, p.Val477Ala (NM_001367251.1); short protein forms V538A, V539A, V588A, V650A, V477A, V549A, V649A.
Identifiers: ClinVar variation 2167154 (VCV002167154.3), dbSNP rs752091528, ClinGen allele CA10385117.

ClinVar aggregate classification (germline): Uncertain significance (1 of 4 stars; one submission).

Conditions:
Primary ciliary dyskinesia. Also called: Ciliary dyskinesia. Identifiers: Orphanet 244, MedGen C0008780, MONDO:0016575, HP:0012265.

Allele frequency attached by ClinVar (database versions not stated): ExAC 0.00003; gnomAD exomes 0.00001; gnomAD 0.00003; TOPMed 0.00003.
gnomAD v4.1: 18 of 1,208,610 alleles (0.0015%); highest among the groups gnomAD compares: Non-Finnish European, 0.002%; no homozygotes.

Submission:

Labcorp Genetics (formerly Invitae), Labcorp
Classification: Uncertain significance for Primary ciliary dyskinesia. Last evaluated: 2025-05-22. Review status: criteria provided, single submitter. Criteria: Invitae Variant Classification Sherloc (09022015). Collection method: clinical testing. Allele origin: germline.
Comment: This sequence change replaces valine, which is neutral and non-polar, with alanine, which is neutral and non-polar, at codon 650 of the RPGR protein (p.Val650Ala). This variant is present in population databases (rs752091528, gnomAD 0.005%). This variant has not been reported in the literature in individuals affected with RPGR-related conditions. ClinVar contains an entry for this variant (Variation ID: 2167154). Invitae Evidence Modeling of protein sequence and biophysical properties (such as structural, functional, and spatial information, amino acid conservation, physicochemical variation, residue mobility, and thermodynamic stability) indicates that this missense variant is not expected to disrupt RPGR protein function with a negative predictive value of 95%. In summary, the available evidence is currently insufficient to determine the role of this variant in disease. Therefore, it has been classified as a Variant of Uncertain Significance.